The following is an entry in ClinVar:

NM_000264.5(PTCH1):c.3355C>G (p.Leu1119Val)

Gene: PTCH1 (patched 1; minus strand). Cytogenetic location: 9q22.32.
Variant type: single nucleotide variant.
Coding change: c.3355C>G on transcript NM_000264.5 (MANE Select); coding-DNA position 3355, C replaced by G.
Protein change: p.Leu1119Val; replaces leucine 1119 with valine.
Molecular consequence: missense variant. On other transcripts: non-coding transcript variant (1).
Genome position (GRCh38, 1-based): chr9:95,453,572, G>C on the plus strand (C>G on the coding strand, the complement: PTCH1 is on the minus strand). VCF-style: chr9-95453572-G-C. GRCh37 (hg19) VCF-style: chr9-98215854-G-C.
Other names: c.2902C>G, p.Leu968Val (NM_001083607.3, NM_001083604.3, NM_001083605.3 and 1 more transcripts); c.3199C>G, p.Leu1067Val (NM_001354918.2); c.3157C>G, p.Leu1053Val (NM_001083602.3); c.3352C>G, p.Leu1118Val (NM_001083603.3); short protein forms L968V, L1119V, L1118V, L1053V, L1067V.
Identifiers: ClinVar variation 1730541 (VCV001730541.4), dbSNP rs2538041144, ClinGen allele CA374111841.

ClinVar aggregate classification (germline): Uncertain significance. Review status: criteria provided, multiple submitters, no conflicts (2 of 4 stars). 3 submissions from 3 submitters: Uncertain significance (3). Last evaluated 2024-06-13.

Conditions:
Basal cell nevus syndrome 1 (BCNS1). Also called: GORLIN-GOLTZ SYNDROME; MULTIPLE BASAL CELL NEVI, ODONTOGENIC KERATOCYSTS, AND SKELETAL ANOMALIES. Identifiers: MedGen CN376810, MONDO:0958174, OMIM 109400.
Basal cell carcinoma, susceptibility to, 1. Also called: BCC1. Identifiers: MedGen C2751544, MONDO:0011556, OMIM 605462.
Holoprosencephaly 7 (HPE7). Identifiers: Orphanet 2162, MedGen C1835820, MONDO:0012562, OMIM 610828.
Hereditary cancer-predisposing syndrome. Also called: Neoplastic Syndromes, Hereditary; Tumor predisposition; Hereditary Cancer Syndrome; Hereditary neoplastic syndrome. Identifiers: Orphanet 140162, MedGen C0027672, MeSH D009386, MONDO:0015356.

Submissions (3):

Fulgent Genetics
Classification: Uncertain significance for Basal cell nevus syndrome 1; Basal cell carcinoma, susceptibility to, 1; Holoprosencephaly 7. Last evaluated: 2024-06-13. Review status: criteria provided, single submitter. Criteria: ACMG Guidelines, 2015. Collection method: clinical testing. Allele origin: germline.

Baylor Genetics
Classification: Uncertain significance for Basal cell carcinoma, susceptibility to, 1. Last evaluated: 2023-10-10. Review status: criteria provided, single submitter. Criteria: ACMG Guidelines, 2015. Collection method: clinical testing. Allele origin: unknown.

Ambry Genetics
Classification: Uncertain significance for Hereditary cancer-predisposing syndrome. Last evaluated: 2021-07-15. Review status: criteria provided, single submitter. Criteria: Ambry Variant Classification Scheme 2023. Collection method: clinical testing. Allele origin: germline.
Comment: The p.L1119V variant (also known as c.3355C>G), located in coding exon 20 of the PTCH1 gene, results from a C to G substitution at nucleotide position 3355. The leucine at codon 1119 is replaced by valine, an amino acid with highly similar properties. This amino acid position is highly conserved in available vertebrate species. In addition, this alteration is predicted to be deleterious by in silico analysis. Since supporting evidence is limited at this time, the clinical significance of this alteration remains unclear.